The following is an entry in ClinVar:

ClinVar aggregate classification (germline): Uncertain significance (1 of 4 stars; one submission).

Submission:

Ambry Genetics
Classification: Uncertain significance. Last evaluated: 2024-06-06. Review status: criteria provided, single submitter. Criteria: Ambry Variant Classification Scheme 2023. Collection method: clinical testing. Allele origin: germline.
Comment: The p.A260P variant (also known as c.778G>C), located in coding exon 8 of the FAM175A gene, results from a G to C substitution at nucleotide position 778. The alanine at codon 260 is replaced by proline, an amino acid with highly similar properties. This amino acid position is conserved. In addition, this alteration is predicted to be tolerated by in silico analysis. Since supporting evidence is limited at this time, the clinical significance of this alteration remains unclear.

NM_139076.3(ABRAXAS1):c.778G>C (p.Ala260Pro)

Gene: ABRAXAS1 (abraxas 1, BRCA1 A complex subunit; minus strand). Cytogenetic location: 4q21.23.
Variant type: single nucleotide variant.
Coding change: c.778G>C on transcript NM_139076.3 (MANE Select); coding-DNA position 778, G replaced by C.
Protein change: p.Ala260Pro; replaces alanine 260 with proline.
Molecular consequence: missense variant.
Genome position (GRCh38, 1-based): chr4:83,463,512, C>G on the plus strand (G>C on the coding strand, the complement: ABRAXAS1 is on the minus strand). VCF-style: chr4-83463512-C-G. GRCh37 (hg19) VCF-style: chr4-84384665-C-G.
Other names: c.451G>C, p.Ala151Pro (NM_001345962.2); short protein forms A151P, A260P.
Identifiers: ClinVar variation 1799934 (VCV001799934.3), dbSNP rs200727513, ClinGen allele CA357256800.